The following is an entry in ClinVar:

NM_001184880.2(PCDH19):c.593G>T (p.Arg198Leu)

Gene: PCDH19 (protocadherin 19; minus strand). Cytogenetic location: Xq22.1.
Variant type: single nucleotide variant.
Coding change: c.593G>T on transcript NM_001184880.2 (MANE Select); coding-DNA position 593, G replaced by T.
Protein change: p.Arg198Leu; replaces arginine 198 with leucine.
Molecular consequence: missense variant.
Genome position (GRCh38, 1-based): chrX:100,408,005, C>A on the plus strand (G>T on the coding strand, the complement: PCDH19 is on the minus strand). VCF-style: chrX-100408005-C-A. GRCh37 (hg19) VCF-style: chrX-99663003-C-A.
Other names: c.593G>T, p.Arg198Leu (NM_001105243.2, NM_020766.3); short protein forms R198L.
Identifiers: ClinVar variation 449358 (VCV000449358.45), dbSNP rs772837341, ClinGen allele CA414009138.
Genomic context (GRCh38, chrX:100,408,005, plus strand): 5'-CGCGGCGGGTCGCCACCGTCTAGCGCAGTGATTCGGAAGCTGTAGTGCGACTGCGTCTCG[C>A]GGTCCAGGCTCTTTTCCACCACGAGTTCGGCAAAGCGGGAGCCGTCGCCGCGCGTCTTGA-3'
Protein context (NP_001171809.1, residues 188-208): AELVVEKSLD[Arg198Leu]ETQSHYSFRI

ClinVar aggregate classification (germline): Pathogenic/Likely pathogenic. Review status: criteria provided, multiple submitters, no conflicts (2 of 4 stars). 5 submissions from 5 submitters: Pathogenic (3); Likely pathogenic (1). 1 of the submissions does not count toward it. Last evaluated 2025-05-21.

Conditions:
developmental delay with seizures.
Seizure. Also called: Seizures. Identifiers: MedGen C0036572, HP:0001250.
Developmental and epileptic encephalopathy, 9 (DEE9). Also called: Early infantile epileptic encephalopathy 9; EPILEPSY, FEMALE-RESTRICTED, WITH MENTAL RETARDATION; JUBERG-HELLMAN SYNDROME; PCDH19-Related X-Linked Female-Limited Epilepsy with Mental Retardation. Identifiers: Orphanet 101039, Orphanet 2076, MedGen C1848137, MONDO:0010246, OMIM 300088. Disease mechanism: loss of function.

Submissions (5):

Cytogénomique, Hospices Civils de Lyon
Classification: Pathogenic for Seizure. Last evaluated: 2025-05-21. Review status: criteria provided, single submitter. Criteria: ACMG Guidelines, 2015. Collection method: clinical testing. Allele origin: maternal. Affected: yes.

Labcorp Genetics (formerly Invitae), Labcorp
Classification: Pathogenic for Developmental and epileptic encephalopathy, 9. Last evaluated: 2023-03-19. Review status: criteria provided, single submitter. Criteria: Invitae Variant Classification Sherloc (09022015). Collection method: clinical testing. Allele origin: germline.
Comment: This sequence change replaces arginine, which is basic and polar, with leucine, which is neutral and non-polar, at codon 198 of the PCDH19 protein (p.Arg198Leu). For these reasons, this variant has been classified as Pathogenic. Advanced modeling of protein sequence and biophysical properties (such as structural, functional, and spatial information, amino acid conservation, physicochemical variation, residue mobility, and thermodynamic stability) performed at Invitae indicates that this missense variant is expected to disrupt PCDH19 protein function. ClinVar contains an entry for this variant (Variation ID: 449358). This missense change has been observed in individual(s) with clinical features of PCDH19-related conditions (PMID: 23712037, 29377098). In at least one individual the variant was observed to be de novo. This variant is not present in population databases (gnomAD no frequency).

CeGaT Center for Human Genetics Tuebingen
Classification: Pathogenic. Last evaluated: 2020-08-01. Review status: criteria provided, single submitter. Criteria: CeGaT Center For Human Genetics Tuebingen Variant Classification Criteria Version 2. Collection method: clinical testing. Allele origin: germline. Affected: yes. Observed: 1 variant allele.

GeneDx
Classification: Likely pathogenic. Last evaluated: 2017-10-06. Review status: criteria provided, single submitter. Criteria: GeneDx Variant Classification (06012015). Collection method: clinical testing. Allele origin: germline. Affected: yes.
Comment: The R198L variant is not observed in large population cohorts (Lek et al., 2016). The R198L variant is a non-conservative amino acid substitution, which is likely to impact secondary protein structure as these residues differ in polarity, charge, size and/or other properties. This substitution occurs at a position that is conserved across species. In silico analysis predicts this variant is probably damaging to the protein structure/function. Therefore, this variant is likely pathogenic; however, the possibility that it is benign cannot be excluded.

Clinical Molecular Genetics Laboratory, Johns Hopkins All Children's Hospital
Classification: Likely pathogenic for developmental delay with seizures. Last evaluated: 2016-08-30. Review status: no assertion criteria provided. Collection method: clinical testing. Allele origin: germline. Affected: yes. Not counted in ClinVar's aggregate classification.

Literature cited by the submitters: PubMed 23712037 (cited by Labcorp Genetics (formerly Invitae), Labcorp); PubMed 29377098 (cited by Labcorp Genetics (formerly Invitae), Labcorp).